The following is an entry in ClinVar:

ClinVar aggregate classification (germline): Uncertain significance (1 of 4 stars; one submission).

Conditions:
Dyskeratosis congenita, autosomal recessive 5 (DKCB5). Identifiers: MedGen C3554656, MONDO:0014076, OMIM 615190.
Pulmonary fibrosis and/or bone marrow failure, Telomere-related, 3. Also called: PULMONARY FIBROSIS AND/OR BONE MARROW FAILURE SYNDROME, TELOMERE-RELATED, 3. Identifiers: Orphanet 2032, MedGen C4225346, MONDO:0014613, OMIM 616373.

Submission:

Labcorp Genetics (formerly Invitae), Labcorp
Classification: Uncertain significance for Dyskeratosis congenita, autosomal recessive 5; Pulmonary fibrosis and/or bone marrow failure, Telomere-related, 3. Last evaluated: 2025-12-03. Review status: criteria provided, single submitter. Criteria: Invitae Variant Classification Sherloc (09022015). Collection method: clinical testing. Allele origin: germline.
Comment: This sequence change replaces histidine, which is basic and polar, with tyrosine, which is neutral and polar, at codon 204 of the RTEL1 protein (p.His204Tyr). This variant is not present in population databases (gnomAD no frequency). This variant has not been reported in the literature in individuals affected with RTEL1-related conditions. An algorithm developed to predict the effect of missense changes on protein structure and function (PolyPhen-2) suggests that this variant is likely to be disruptive. In summary, the available evidence is currently insufficient to determine the role of this variant in disease. Therefore, it has been classified as a Variant of Uncertain Significance.

NM_001283009.2(RTEL1):c.610C>T (p.His204Tyr)

Genes: RTEL1-TNFRSF6B (RTEL1-TNFRSF6B readthrough (NMD candidate); plus strand), RTEL1 (regulator of telomere elongation helicase 1; plus strand). Cytogenetic location: 20q13.33.
Variant type: single nucleotide variant.
Coding change: c.610C>T on transcript NM_001283009.2 (MANE Select); coding-DNA position 610, C replaced by T.
Protein change: p.His204Tyr; replaces histidine 204 with tyrosine.
Molecular consequence: missense variant. On other transcripts: non-coding transcript variant (1), 5 prime UTR variant (1).
Genome position (GRCh38, 1-based): chr20:63,666,075, C>T. VCF-style: chr20-63666075-C-T. GRCh37 (hg19) VCF-style: chr20-62297428-C-T.
Other names: c.-60C>T (NM_001283010.1); c.610C>T, p.His204Tyr (NM_016434.4); c.682C>T, p.His228Tyr (NM_032957.5); short protein forms H204Y, H228Y.
Identifiers: ClinVar variation 4784990 (VCV004784990.1).